The following is an entry in ClinVar:

ClinVar aggregate classification (germline): Uncertain significance. Review status: criteria provided, single submitter (1 of 4 stars). 2 submissions from 2 submitters: Uncertain significance (1). 1 of the submissions does not count toward it. Last evaluated 2024-04-30.

Conditions:
Hereditary breast ovarian cancer syndrome. Also called: Hereditary breast and ovarian cancer; Hereditary breast and ovarian cancer syndrome (HBOC); Hereditary breast and/or ovarian cancer syndrome; Breast and ovarian cancer; Hereditary breast and ovarian cancer syndrome; BRCA1- and BRCA2-Associated Hereditary Breast and Ovarian Cancer. Identifiers: Orphanet 145, MedGen C0677776, MeSH D061325, MONDO:0003582. Disease mechanism: loss of function.
Breast-ovarian cancer, familial, susceptibility to, 2 (BROVCA2). Also called: BRCA2 Hereditary Breast and Ovarian Cancer. Identifiers: Orphanet 145, MedGen C2675520, MONDO:0012933, OMIM 612555. Disease mechanism: loss of function.

Submissions (2):

Labcorp Genetics (formerly Invitae), Labcorp
Classification: Uncertain significance for Hereditary breast ovarian cancer syndrome. Last evaluated: 2024-04-30. Review status: criteria provided, single submitter. Criteria: Invitae Variant Classification Sherloc (09022015). Collection method: clinical testing. Allele origin: germline.
Comment: This sequence change falls in intron 8 of the BRCA2 gene. It does not directly change the encoded amino acid sequence of the BRCA2 protein. This variant is not present in population databases (gnomAD no frequency). This variant has not been reported in the literature in individuals affected with BRCA2-related conditions. ClinVar contains an entry for this variant (Variation ID: 38066). Algorithms developed to predict the effect of sequence changes on RNA splicing suggest that this variant may disrupt the consensus splice site. In summary, the available evidence is currently insufficient to determine the role of this variant in disease. Therefore, it has been classified as a Variant of Uncertain Significance.

Sharing Clinical Reports Project (SCRP)
Classification: Uncertain significance for Breast-ovarian cancer, familial 2. Last evaluated: 2009-05-20. Review status: no assertion criteria provided. Collection method: clinical testing. Allele origin: germline. Not counted in ClinVar's aggregate classification.

NM_000059.4(BRCA2):c.682-10A>G

Gene: BRCA2 (BRCA2 DNA repair associated; plus strand). Cytogenetic location: 13q13.1.
Variant type: single nucleotide variant.
Coding change: c.682-10A>G on transcript NM_000059.4 (MANE Select); 10 bases into the intron before coding-DNA position 682, A replaced by G.
Molecular consequence: intron variant.
Genome position (GRCh38, 1-based): chr13:32,330,909, A>G. VCF-style: chr13-32330909-A-G. GRCh37 (hg19) VCF-style: chr13-32905046-A-G.
Other names: IVS8-10A>G.
Identifiers: ClinVar variation 38066 (VCV000038066.8), dbSNP rs397507377, ClinGen allele CA024450.
Genomic context (GRCh38, chr13:32,330,909, plus strand): 5'-AAGGGGGGACTACTACTATATGTGCATTGAGAGTTTTTATACTAGTGATTTTAAACTATA[A>G]TTTTTGCAGAATGTGAAAAGCTATTTTTCCAATCATGATGAAAGTCTGAAGAAAAATGAT-3'